The following is an entry in ClinVar:

ClinVar aggregate classification (germline): Uncertain significance (1 of 4 stars; one submission).

Allele frequency attached by ClinVar (database versions not stated): gnomAD exomes below 0.00001; TOPMed below 0.00001; ExAC 0.00001.

Submission:

Labcorp Genetics (formerly Invitae), Labcorp
Classification: Uncertain significance. Last evaluated: 2023-11-03. Review status: criteria provided, single submitter. Criteria: Invitae Variant Classification Sherloc (09022015). Collection method: clinical testing. Allele origin: germline.
Comment: This sequence change replaces methionine, which is neutral and non-polar, with arginine, which is basic and polar, at codon 126 of the AK7 protein (p.Met126Arg). This variant is present in population databases (rs760415382, gnomAD 0.006%). This variant has not been reported in the literature in individuals affected with AK7-related conditions. Advanced modeling of protein sequence and biophysical properties (such as structural, functional, and spatial information, amino acid conservation, physicochemical variation, residue mobility, and thermodynamic stability) performed at Invitae indicates that this missense variant is not expected to disrupt AK7 protein function with a negative predictive value of 80%. In summary, the available evidence is currently insufficient to determine the role of this variant in disease. Therefore, it has been classified as a Variant of Uncertain Significance.

NM_152327.5(AK7):c.377T>G (p.Met126Arg)

Gene: AK7 (adenylate kinase 7; plus strand). Cytogenetic location: 14q32.2.
Variant type: single nucleotide variant.
Coding change: c.377T>G on transcript NM_152327.5 (MANE Select); coding-DNA position 377, T replaced by G.
Protein change: p.Met126Arg; replaces methionine 126 with arginine.
Molecular consequence: missense variant.
Genome position (GRCh38, 1-based): chr14:96,404,839, T>G. VCF-style: chr14-96404839-T-G. GRCh37 (hg19) VCF-style: chr14-96871176-T-G.
Other names: c.377T>G, p.Met126Arg (NM_001350888.2, NM_001350890.2, NM_001350891.2 and 1 more transcripts); short protein forms M126R.
Identifiers: ClinVar variation 2785111 (VCV002785111.3), dbSNP rs760415382, ClinGen allele CA7337457.